The following is an entry in ClinVar:

NM_003803.4(MYOM1):c.2917C>T (p.Arg973Cys)

Gene: MYOM1 (myomesin 1; minus strand). Cytogenetic location: 18p11.31.
Variant type: single nucleotide variant.
Coding change: c.2917C>T on transcript NM_003803.4 (MANE Select); coding-DNA position 2917, C replaced by T.
Protein change: p.Arg973Cys; replaces arginine 973 with cysteine.
Molecular consequence: missense variant.
Genome position (GRCh38, 1-based): chr18:3,126,775, G>A on the plus strand (C>T on the coding strand, the complement: MYOM1 is on the minus strand). VCF-style: chr18-3126775-G-A. GRCh37 (hg19) VCF-style: chr18-3126773-G-A.
Other names: c.2629C>T, p.Arg877Cys (NM_019856.2); short protein forms R877C, R973C.
Identifiers: ClinVar variation 1797639 (VCV001797639.8), dbSNP rs751505178, ClinGen allele CA8874496.

ClinVar aggregate classification (germline): Uncertain significance. Review status: criteria provided, multiple submitters, no conflicts (2 of 4 stars). 2 submissions from 2 submitters: Uncertain significance (2). Last evaluated 2025-04-23.

Conditions:
Hypertrophic cardiomyopathy. Also called: HYPERTROPHIC MYOCARDIOPATHY. Identifiers: Orphanet 217569, MedGen C0007194, MeSH D002312, MONDO:0005045, HP:0001639.

Allele frequency attached by ClinVar (database versions not stated): TOPMed 0.00001; ExAC 0.00002.
gnomAD v4.1: 17 of 1,613,832 alleles (0.0011%); highest among the groups gnomAD compares: South Asian, 0.011%; no homozygotes.

Submissions (2):

Ambry Genetics
Classification: Uncertain significance. Last evaluated: 2025-04-23. Review status: criteria provided, single submitter. Criteria: Ambry Variant Classification Scheme 2023. Collection method: clinical testing. Allele origin: germline.
Comment: The p.R973C variant (also known as c.2917C>T), located in coding exon 18 of the MYOM1 gene, results from a C to T substitution at nucleotide position 2917. The arginine at codon 973 is replaced by cysteine, an amino acid with highly dissimilar properties. This amino acid position is conserved. In addition, this alteration is predicted to be deleterious by in silico analysis. Since supporting evidence is limited at this time, the clinical significance of this alteration remains unclear.

Labcorp Genetics (formerly Invitae), Labcorp
Classification: Uncertain significance for Hypertrophic cardiomyopathy. Last evaluated: 2025-04-11. Review status: criteria provided, single submitter. Criteria: Invitae Variant Classification Sherloc (09022015). Collection method: clinical testing. Allele origin: germline.
Comment: This sequence change replaces arginine, which is basic and polar, with cysteine, which is neutral and slightly polar, at codon 973 of the MYOM1 protein (p.Arg973Cys). This variant is present in population databases (rs751505178, gnomAD 0.007%). This variant has not been reported in the literature in individuals affected with MYOM1-related conditions. ClinVar contains an entry for this variant (Variation ID: 1797639). Invitae Evidence Modeling of protein sequence and biophysical properties (such as structural, functional, and spatial information, amino acid conservation, physicochemical variation, residue mobility, and thermodynamic stability) indicates that this missense variant is not expected to disrupt MYOM1 protein function with a negative predictive value of 80%. In summary, the available evidence is currently insufficient to determine the role of this variant in disease. Therefore, it has been classified as a Variant of Uncertain Significance.